The following is an entry in ClinVar:

NC_000002.11:g.166221796_166254190del

Gene: SCN2A (sodium voltage-gated channel alpha subunit 2; plus strand). Cytogenetic location: 2q24.3.
Variant type: Deletion.
Identifiers: ClinVar variation 4974524 (VCV004974524.1).

ClinVar aggregate classification (germline): Likely pathogenic (1 of 4 stars; one submission).

Conditions:
Developmental and epileptic encephalopathy, 11 (DEE11). Also called: Early infantile epileptic encephalopathy 11. Identifiers: Orphanet 1934, MedGen C3150987, MONDO:0013388, OMIM 613721.

Submission:

Solve-RD Consortium
Classification: Likely pathogenic for Developmental and epileptic encephalopathy, 11. Review status: criteria provided, single submitter. Criteria: ACMG/ClinGen CNV Guidelines, 2019. Collection method: provider interpretation. Allele origin: germline. Inheritance: Autosomal dominant inheritance. Affected: yes. Study: Solve-RD DIFT-EpiCARE reanalysis.
Comment: 2D

Variant identified during reanalysis of unsolved cases by the Solve-RD project. The Solve-RD project has received funding from the European Union’s Horizon 2020 research and innovation programme under grant agreement No 779257.